The following is an entry in ClinVar:

NM_000203.5(IDUA):c.1139A>G (p.Gln380Arg)

Gene: IDUA (alpha-L-iduronidase; plus strand). Cytogenetic location: 4p16.3.
Variant type: single nucleotide variant.
Coding change: c.1139A>G on transcript NM_000203.5 (MANE Select); coding-DNA position 1139, A replaced by G.
Protein change: p.Gln380Arg; replaces glutamine 380 with arginine.
Molecular consequence: missense variant. On other transcripts: non-coding transcript variant (1).
Genome position (GRCh38, 1-based): chr4:1,002,435, A>G. VCF-style: chr4-1002435-A-G. GRCh37 (hg19) VCF-style: chr4-996223-A-G.
Other names: NM_000203.5(IDUA):c.1139A>G; p.Gln380Arg; c.743A>G, p.Gln248Arg (NM_001363576.1); c.1139A>G (NM_000203.4); short protein forms Q380R, Q248R.
Identifiers: ClinVar variation 550799 (VCV000550799.44), dbSNP rs762903007, ClinGen allele CA2802202.

ClinVar aggregate classification (germline): Pathogenic. Review status: reviewed by expert panel (3 of 4 stars). 9 submissions from 9 submitters: Pathogenic (1). 8 of the submissions do not count toward it. Last evaluated 2024-12-06.

Conditions:
Hurler syndrome. Also called: Severe MPS I (Hurler Syndrome); Gargoylism, Hurler Syndrome; MUCOPOLYSACCHARIDOSIS TYPE IH. Identifiers: Orphanet 93473, MedGen C0086795, MONDO:0011758, OMIM 607014.
Mucopolysaccharidosis type 1. Also called: IDUA deficiency; MPS I; Mucopolysaccharidosis Type I. Identifiers: Orphanet 579, MedGen C0023786, MONDO:0001586.
Mucopolysaccharidosis, MPS-I-S. Also called: Scheie Syndrome; MPS V; MUCOPOLYSACCHARIDOSIS TYPE V; MUCOPOLYSACCHARIDOSIS TYPE IS. Identifiers: Orphanet 93474, MedGen C0026708, MONDO:0011760, OMIM 607016.
Mucopolysaccharidosis, MPS-I-H/S. Also called: Mucopolysaccharidosis type IH/S. Identifiers: Orphanet 93476, MedGen C0086431, MONDO:0011759, OMIM 607015.

Allele frequency attached by ClinVar (database versions not stated): gnomAD 0.00001; TOPMed 0.00001; gnomAD exomes 0.00002 and 0.00003; ExAC 0.00004.

Submissions (9):

ClinGen Lysosomal Storage Disorder Variant Curation Expert Panel
Classification: Pathogenic for Mucopolysaccharidosis type 1. Last evaluated: 2024-12-06. Review status: reviewed by expert panel. Criteria: ClinGen LSD ACMG Specifications IDUA V1.0.0. Collection method: curation. Allele origin: germline. Inheritance: Autosomal recessive inheritance.
Comment: The NM_000203.5:c.1139A>G variant in IDUA is a missense variant predicted to cause substitution of glutamine by arginine at amino acid 380 (p.Gln380Arg). This variant has been detected in at least 34 individuals with MPS I. Of those individuals, 20 were compound heterozygous for the variant and another variant in IDUA that has been classified as pathogenic or likely pathogenic variant for MPS I by the ClinGen LD VCEP, all in unknown phase. The second variant includes c.46_57del (p.Ser16_Ala19del) (PMID: 35141277) (0.5 pt), c.208C>T (p.Gln70Ter)(11 patients, PMID: 24368159, 24875751, 35141277) (max 2 x 0.5 points), c.979G>C p.Ala327Pro (PMID: 28752568) (0.5 pt), c.1205G>A p.Trp402Ter (6 patients, PMID: 28752568, 35141277) (max 2 x 0.5 pts), c.1861C>T (p.Arg621Ter) ((PMID: 11735025) (0.25 pt). Four unrelated individuals are homozygous for the variant PMID: 19396826, 31194252, 35141277) (max 2 x 0.5 pts). Total 4.25 points (PM3_VeryStrong). At least 19 patients with this variant had documented IDUA deficiency within the affected range in leukocytes, and/or urinary GAGs expressed as either total GAGs and/or specific GAG elevation above normal range, and/or clinical features specific to MPS I including dysostosis multiplex, corneal clouding, and hepatosplenomegaly (PP4_Moderate). The highest population minor allele frequency in gnomAD v4.10. is 0.00003112 (36/1156956 alleles) in the NFE population (gnomAD v2.1.1 is 0.00004458 with 3/67302 alleles in the NFE population), which is lower than the ClinGen Lysosomal Diseases VCEP’s threshold for PM2_Supporting (<0.00025), meeting this criterion (PM2_Supporting). The computational predictor REVEL gives a score of 0.872 which is above the threshold of 0.773, evidence that correlates with impact to IDUA function at the moderate level based on the specifications of the ClinGen Lysosomal Diseases VCEP (PMID: 36413997) (PP3_Moderate). There is a ClinVar entry for this variant (Variation ID: 550799). In summary, this variant meets the criteria to be classified as Pathogenic for MPS I based on the IDUA-specific ACMG/AMP criteria applied, as specified by the ClinGen Lysosomal Diseases Variant Curation Expert panel (Specifications Version 1.0.0): PM3_Very Strong, PP3_Moderate, PP4_Moderate, PM2_Supporting. (Classification approved by the ClinGen Lysosomal Diseases Variant Curation Expert Panel on December 6, 2024)

Labcorp Genetics (formerly Invitae), Labcorp
Classification: Pathogenic for Mucopolysaccharidosis type 1. Last evaluated: 2025-10-20. Review status: criteria provided, single submitter. Criteria: Invitae Variant Classification Sherloc (09022015). Collection method: clinical testing. Allele origin: germline. Not counted in ClinVar's aggregate classification.
Comment: This sequence change replaces glutamine, which is neutral and polar, with arginine, which is basic and polar, at codon 380 of the IDUA protein (p.Gln380Arg). This variant is present in population databases (rs762903007, gnomAD 0.005%). This missense change has been observed in individual(s) with mucopolysaccharidosis type I (PMID: 11735025, 12559846, 15300847, 17606547, 24368159). ClinVar contains an entry for this variant (Variation ID: 550799). Invitae Evidence Modeling of protein sequence and biophysical properties (such as structural, functional, and spatial information, amino acid conservation, physicochemical variation, residue mobility, and thermodynamic stability) indicates that this missense variant is expected to disrupt IDUA protein function with a positive predictive value of 95%. For these reasons, this variant has been classified as Pathogenic.

Natera, Inc.
Classification: Pathogenic for Mucopolysaccharidosis type I. Last evaluated: 2025-02-25. Review status: criteria provided, single submitter. Criteria: Natera Variant Classification Schema (03/2026). Collection method: clinical testing. Allele origin: germline. Not counted in ClinVar's aggregate classification.
Comment: The c.1139A>G variant in IDUA is a missense variant predicted to cause substitution of glutamine to arginine at amino acid 380. This variant is rare in the general population with a frequency below the threshold expected for the associated phenotype(s). This variant has been observed in one or more individuals affected with the associated recessive disease, as either homozygous or compound heterozygous with a second variant (PMID: 11735025, 12559846, 19396826, 24368159, 35141277). Additionally, this variant has been observed to segregate in affected family members (PMID: 19396826, 35141277). Computational prediction algorithms indicate this variant is likely to affect gene or protein function. Given the available evidence, this variant is classified as Pathogenic.

Laboratory of Genetics, Children's Clinical University Hospital Latvia
Classification: Pathogenic. Last evaluated: 2025-02-16. Review status: criteria provided, single submitter. Criteria: ACMG Guidelines, 2015. Collection method: clinical testing. Allele origin: germline. Affected: yes. Not counted in ClinVar's aggregate classification.

Revvity Omics, Revvity
Classification: Pathogenic. Last evaluated: 2024-05-02. Review status: criteria provided, single submitter. Criteria: ACMG Guidelines, 2015. Collection method: clinical testing. Allele origin: germline. Not counted in ClinVar's aggregate classification.

Fulgent Genetics
Classification: Pathogenic for Hurler syndrome; Mucopolysaccharidosis, MPS-I-H/S; Mucopolysaccharidosis, MPS-I-S. Last evaluated: 2024-03-28. Review status: criteria provided, single submitter. Criteria: ACMG Guidelines, 2015. Collection method: clinical testing. Allele origin: germline. Not counted in ClinVar's aggregate classification.

Pittsburgh Clinical Genomics Laboratory, University of Pittsburgh Medical Center
Classification: Likely pathogenic for Hurler syndrome. Last evaluated: 2024-03-08. Review status: criteria provided, single submitter. Criteria: ACMG Guidelines, 2015. Collection method: clinical testing. Allele origin: germline. Inheritance: Autosomal recessive inheritance. Affected: yes. Not counted in ClinVar's aggregate classification.
Comment: This sequence variant is a single nucleotide substitution (A>G) at position 1139 of the coding sequence of the IDUA gene that results in a glutamine to arginine amino acid change at residue 380 of the alpha-L-iduronidase protein. This is a previously reported variant (ClinVar 550799) that has been observed in homozygous or compound heterozygous state in many individuals and families affected by an attenuated form of mucopolysaccharidosis type I (PMID: 35141277, 19396826, 28752568, 24875751, 31194252, 12203999, 31304092, 12559846, 30120129, 15300847, 17606547, 11735025, 8680403). This variant is present in 39 of 1564204 alleles (0.0025%) in the gnomAD v4.0.0 population dataset. Multiple bioinformatic tools predict that this amino acid change would be damaging, and the Gln380 residue at this position is highly conserved across the vertebrate species examined. Studies examining the functional consequence of this variant observed a significant decrease in IDUA protein activity in compound heterozygote patient-derived fibroblasts (PMID: 15300847) and plasma (PMID: 24875751), however the clinical significance of these findings is unclear. Based upon the evidence, we consider this variant to be likely pathogenic. ACMG Criteria: PM2, PM3, PP3, PS4

CeGaT Center for Human Genetics Tuebingen
Classification: Pathogenic. Last evaluated: 2022-04-01. Review status: criteria provided, single submitter. Criteria: CeGaT Center For Human Genetics Tuebingen Variant Classification Criteria Version 2. Collection method: clinical testing. Allele origin: germline. Affected: yes. Observed: 1 variant allele. Not counted in ClinVar's aggregate classification.
Comment: IDUA: PM3:Very Strong, PM2, PP3, PP4

Counsyl
Classification: Pathogenic for Hurler syndrome. Last evaluated: 2017-10-09. Review status: no assertion criteria provided. Collection method: clinical testing. Allele origin: unknown. Not counted in ClinVar's aggregate classification.

Literature cited by the submitters: PubMed 11735025 (cited by 3 submitters); PubMed 12559846 (cited by 4 submitters); PubMed 15300847 (cited by 3 submitters); PubMed 17606547 (cited by Labcorp Genetics (formerly Invitae), Labcorp and Pittsburgh Clinical Genomics Laboratory, University of Pittsburgh Medical Center); PubMed 24368159 (cited by 3 submitters); PubMed 19396826 (cited by 3 submitters); PubMed 35141277 (cited by Natera, Inc. and Pittsburgh Clinical Genomics Laboratory, University of Pittsburgh Medical Center); PubMed 31194252 (cited by Pittsburgh Clinical Genomics Laboratory, University of Pittsburgh Medical Center); PubMed 30120129 (cited by Pittsburgh Clinical Genomics Laboratory, University of Pittsburgh Medical Center); PubMed 8680403 (cited by Pittsburgh Clinical Genomics Laboratory, University of Pittsburgh Medical Center); PubMed 24875751 (cited by Pittsburgh Clinical Genomics Laboratory, University of Pittsburgh Medical Center and Counsyl); PubMed 31304092 (cited by Pittsburgh Clinical Genomics Laboratory, University of Pittsburgh Medical Center); PubMed 12203999 (cited by Pittsburgh Clinical Genomics Laboratory, University of Pittsburgh Medical Center and Counsyl); PubMed 28752568 (cited by Pittsburgh Clinical Genomics Laboratory, University of Pittsburgh Medical Center and Counsyl).